The following is an entry in ClinVar:

NM_001128178.3(NPHP1):c.330-9T>G

Gene: NPHP1 (nephrocystin 1; minus strand). Cytogenetic location: 2q13.
Variant type: single nucleotide variant.
Coding change: c.330-9T>G on transcript NM_001128178.3 (MANE Select); 9 bases into the intron before coding-DNA position 330, T replaced by G.
Molecular consequence: intron variant.
Genome position (GRCh38, 1-based): chr2:110,170,007, A>C on the plus strand (T>G on the coding strand, the complement: NPHP1 is on the minus strand). VCF-style: chr2-110170007-A-C. GRCh37 (hg19) VCF-style: chr2-110927584-A-C.
Other names: c.144-9T>G (NM_001128179.3); c.330-9T>G (NM_001374256.1, NM_001374257.1, NM_207181.4 and 1 more transcripts).
Identifiers: ClinVar variation 955329 (VCV000955329.7), dbSNP rs748197517, ClinGen allele CA1827412.

ClinVar aggregate classification (germline): Uncertain significance. Review status: criteria provided, multiple submitters, no conflicts (2 of 4 stars). 2 submissions from 2 submitters: Uncertain significance (2). Last evaluated 2026-08-27.

Conditions:
NPHP1-related disorder. Also called: NPHP1-related disorders; NPHP1-related condition.
Nephronophthisis. Also called: Juvenile Nephronophthisis. Identifiers: Orphanet 655, MedGen C0687120, MONDO:0019005, HP:0000090.

Allele frequency attached by ClinVar (database versions not stated): gnomAD 0.00001; ExAC 0.00002; TOPMed 0.00002; gnomAD exomes 0.00003 and 0.00004.
gnomAD v4.1: 41 of 1,613,032 alleles (0.0025%); highest among the groups gnomAD compares: Admixed American, 0.01%; no homozygotes.

Submissions (2):

PreventionGenetics, part of Exact Sciences
Classification: Uncertain significance for NPHP1-related condition. Last evaluated: 2026-08-27. Review status: criteria provided, single submitter. Criteria: ACMG Guidelines, 2015. Collection method: clinical testing. Allele origin: germline.
Comment: The NPHP1 c.330-9T>G variant is predicted to interfere with splicing. This variant has been reported along with an NPHP1 missense variant (p.Glu483Gln) of uncertain significance and unknown phase in an individual with chronic kidney disease (Supplemental File 2, Blasco et al. 2024. PubMed ID: 38972501). Available splicing prediction programs suggest that this variant may lead to altered splicing (SpliceAI, Jaganathan et al. 2019. PubMed ID: 30661751). However, to our knowledge, the exact nature of the potential splicing change has not been confirmed experimentally, and the use of in silico prediction programs is not equivalent to functional evidence. This variant is reported in 0.014% of alleles in individuals of Latino descent in gnomAD. At this time, the clinical significance of this variant is uncertain due to the absence of conclusive functional and genetic evidence.

Labcorp Genetics (formerly Invitae), Labcorp
Classification: Uncertain significance for Nephronophthisis. Last evaluated: 2022-10-24. Review status: criteria provided, single submitter. Criteria: Invitae Variant Classification Sherloc (09022015). Collection method: clinical testing. Allele origin: germline.
Comment: This sequence change falls in intron 4 of the NPHP1 gene. It does not directly change the encoded amino acid sequence of the NPHP1 protein. This variant is present in population databases (rs748197517, gnomAD 0.01%). This variant has not been reported in the literature in individuals affected with NPHP1-related conditions. ClinVar contains an entry for this variant (Variation ID: 955329). Algorithms developed to predict the effect of sequence changes on RNA splicing suggest that this variant may disrupt the consensus splice site. In summary, the available evidence is currently insufficient to determine the role of this variant in disease. Therefore, it has been classified as a Variant of Uncertain Significance.